The following is an entry in ClinVar:

ClinVar aggregate classification (germline): Uncertain significance. Review status: criteria provided, multiple submitters, no conflicts (2 of 4 stars). 3 submissions from 3 submitters: Uncertain significance (2). 1 of the submissions does not count toward it. Last evaluated 2024-06-17.

Conditions:
Cardiovascular phenotype. Identifiers: MedGen CN230736.
Walker-Warburg congenital muscular dystrophy. Also called: Muscular dystrophy-dystroglycanopathy, type A; Walker-Warburg syndrome. Identifiers: Orphanet 899, MedGen C0265221, MONDO:0000171.

Allele frequency attached by ClinVar (database versions not stated): ExAC 0.00001; gnomAD exomes below 0.00001; TOPMed 0.00001; gnomAD 0.00002.
gnomAD v4.1: 4 of 1,613,820 alleles (0.00025%); highest among the groups gnomAD compares: Non-Finnish European, 0.00034%; no homozygotes.

Submissions (3):

Ambry Genetics
Classification: Uncertain significance for Cardiovascular phenotype. Last evaluated: 2024-06-17. Review status: criteria provided, single submitter. Criteria: Ambry Variant Classification Scheme 2023. Collection method: clinical testing. Allele origin: germline.
Comment: The p.L263V variant (also known as c.787C>G), located in coding exon 6 of the FKTN gene, results from a C to G substitution at nucleotide position 787. The leucine at codon 263 is replaced by valine, an amino acid with highly similar properties. This amino acid position is conserved. In addition, this alteration is predicted to be tolerated by in silico analysis. Based on the available evidence, the clinical significance of this variant remains unclear.

Labcorp Genetics (formerly Invitae), Labcorp
Classification: Uncertain significance for Walker-Warburg congenital muscular dystrophy. Last evaluated: 2023-12-21. Review status: criteria provided, single submitter. Criteria: Invitae Variant Classification Sherloc (09022015). Collection method: clinical testing. Allele origin: germline.
Comment: This sequence change replaces leucine, which is neutral and non-polar, with valine, which is neutral and non-polar, at codon 263 of the FKTN protein (p.Leu263Val). This variant is present in population databases (rs770440134, gnomAD 0.0009%). This variant has not been reported in the literature in individuals affected with FKTN-related conditions. ClinVar contains an entry for this variant (Variation ID: 664350). Advanced modeling of protein sequence and biophysical properties (such as structural, functional, and spatial information, amino acid conservation, physicochemical variation, residue mobility, and thermodynamic stability) performed at Invitae indicates that this missense variant is not expected to disrupt FKTN protein function with a negative predictive value of 80%. In summary, the available evidence is currently insufficient to determine the role of this variant in disease. Therefore, it has been classified as a Variant of Uncertain Significance.

Natera, Inc.
Classification: Uncertain significance for Walker-Warburg congenital muscular dystrophy. Last evaluated: 2021-09-14. Review status: no assertion criteria provided. Collection method: clinical testing. Allele origin: germline. Not counted in ClinVar's aggregate classification.

NM_001079802.2(FKTN):c.787C>G (p.Leu263Val)

Gene: FKTN (fukutin; plus strand). Cytogenetic location: 9q31.2.
Variant type: single nucleotide variant.
Coding change: c.787C>G on transcript NM_001079802.2 (MANE Select); coding-DNA position 787, C replaced by G.
Protein change: p.Leu263Val; replaces leucine 263 with valine.
Molecular consequence: missense variant. On other transcripts: non-coding transcript variant (1).
Genome position (GRCh38, 1-based): chr9:105,615,284, C>G. VCF-style: chr9-105615284-C-G. GRCh37 (hg19) VCF-style: chr9-108377565-C-G.
Other names: c.787C>G, p.Leu263Val (NM_001198963.2, NM_001351496.2, NM_001351498.2 and 1 more transcripts); c.718C>G, p.Leu240Val (NM_001351497.2); c.391C>G, p.Leu131Val (NM_001351499.2, NM_001351500.2, NM_001351501.2 and 1 more transcripts); short protein forms L131V, L240V, L263V.
Identifiers: ClinVar variation 664350 (VCV000664350.13), dbSNP rs770440134, ClinGen allele CA5170498.